The following is an entry in ClinVar:

NM_199420.4(POLQ):c.910G>A (p.Asp304Asn)

Gene: POLQ (DNA polymerase theta; minus strand). Cytogenetic location: 3q13.33.
Variant type: single nucleotide variant.
Coding change: c.910G>A on transcript NM_199420.4 (MANE Select); coding-DNA position 910, G replaced by A.
Protein change: p.Asp304Asn; replaces aspartic acid 304 with asparagine.
Molecular consequence: missense variant.
Genome position (GRCh38, 1-based): chr3:121,533,040, C>T on the plus strand (G>A on the coding strand, the complement: POLQ is on the minus strand). VCF-style: chr3-121533040-C-T. GRCh37 (hg19) VCF-style: chr3-121251887-C-T.
Other names: short protein forms D304N.
Identifiers: ClinVar variation 3230184 (VCV003230184.1), dbSNP rs1337254741, ClinGen allele CA354125989.

ClinVar aggregate classification (germline): Uncertain significance (1 of 4 stars; one submission).

gnomAD v4.1: 2 of 1,613,772 alleles (0.00012%); highest among the groups gnomAD compares: Non-Finnish European, 0.00017%; no homozygotes.

Submission:

Ambry Genetics
Classification: Uncertain significance. Last evaluated: 2023-12-02. Review status: criteria provided, single submitter. Criteria: Ambry Variant Classification Scheme 2023. Collection method: clinical testing. Allele origin: germline.
Comment: The p.D304N variant (also known as c.910G>A), located in coding exon 6 of the POLQ gene, results from a G to A substitution at nucleotide position 910. The aspartic acid at codon 304 is replaced by asparagine, an amino acid with highly similar properties. This amino acid position is conserved. In addition, this alteration is predicted to be tolerated by in silico analysis. Since supporting evidence is limited at this time, the clinical significance of this alteration remains unclear.